The following is an entry in ClinVar:

ClinVar aggregate classification (germline): Uncertain significance. Review status: criteria provided, multiple submitters, no conflicts (2 of 4 stars). 3 submissions from 3 submitters: Uncertain significance (3). Last evaluated 2025-07-07.

Conditions:
Cardiomyopathy (CMYO). Also called: Cardiomyopathies. Identifiers: Orphanet 167848, MedGen C0878544, MONDO:0004994, HP:0001638. Inheritance: Various modes of inheritance.
Cardiovascular phenotype. Identifiers: MedGen CN230736.
Arrhythmogenic right ventricular dysplasia 11. Also called: ARRHYTHMOGENIC RIGHT VENTRICULAR DYSPLASIA, FAMILIAL, 11; Arrhythmogenic Right Ventricular Dysplasia/Cardiomyopathy11; Arrhythmogenic right ventricular dysplasia 11 with mild palmoplantar keratoderma and woolly hair. Identifiers: MedGen C1864850, MONDO:0012506, OMIM 610476.

Allele frequency attached by ClinVar (database versions not stated): TOPMed 0.00003; gnomAD 0.00001.
gnomAD v4.1: 2 of 1,613,918 alleles (0.00012%); highest among the groups gnomAD compares: African/African-American, 0.0013%; no homozygotes.

Submissions (3):

Color Diagnostics, LLC DBA Color Health
Classification: Uncertain significance for Cardiomyopathy. Last evaluated: 2025-07-07. Review status: criteria provided, single submitter. Criteria: ACMG Guidelines, 2015. Collection method: clinical testing. Allele origin: germline.
Comment: This missense variant replaces methionine with threonine at codon 453 of the DSC2 protein. Computational prediction suggests that this variant may not impact protein structure and function. To our knowledge, functional studies have not been reported for this variant. This variant has not been reported in individuals affected with DSC2-related disorders in the literature. This variant has been identified in 1/31392 chromosomes in the general population by the Genome Aggregation Database (gnomAD). The available evidence is insufficient to determine the role of this variant in disease conclusively. Therefore, this variant is classified as a Variant of Uncertain Significance.

Ambry Genetics
Classification: Uncertain significance for Cardiovascular phenotype. Last evaluated: 2025-06-19. Review status: criteria provided, single submitter. Criteria: Ambry Variant Classification Scheme 2023. Collection method: clinical testing. Allele origin: germline.

Labcorp Genetics (formerly Invitae), Labcorp
Classification: Uncertain significance for Arrhythmogenic right ventricular dysplasia 11. Last evaluated: 2023-09-13. Review status: criteria provided, single submitter. Criteria: Invitae Variant Classification Sherloc (09022015). Collection method: clinical testing. Allele origin: germline.
Comment: This sequence change replaces methionine, which is neutral and non-polar, with threonine, which is neutral and polar, at codon 453 of the DSC2 protein (p.Met453Thr). In summary, the available evidence is currently insufficient to determine the role of this variant in disease. Therefore, it has been classified as a Variant of Uncertain Significance. Advanced modeling of protein sequence and biophysical properties (such as structural, functional, and spatial information, amino acid conservation, physicochemical variation, residue mobility, and thermodynamic stability) performed at Invitae indicates that this missense variant is not expected to disrupt DSC2 protein function. This variant has not been reported in the literature in individuals affected with DSC2-related conditions. This variant is present in population databases (no rsID available, gnomAD 0.01%).

NM_024422.6(DSC2):c.1358T>C (p.Met453Thr)

Gene: DSC2 (desmocollin 2; minus strand). Cytogenetic location: 18q12.1.
Variant type: single nucleotide variant.
Coding change: c.1358T>C on transcript NM_024422.6 (MANE Select); coding-DNA position 1358, T replaced by C.
Protein change: p.Met453Thr; replaces methionine 453 with threonine.
Molecular consequence: missense variant.
Genome position (GRCh38, 1-based): chr18:31,080,258, A>G on the plus strand (T>C on the coding strand, the complement: DSC2 is on the minus strand). VCF-style: chr18-31080258-A-G. GRCh37 (hg19) VCF-style: chr18-28660224-A-G.
Other names: c.1358T>C (NM_024422.3); c.929T>C, p.Met310Thr (NM_001406506.1, NM_001406507.1); c.1358T>C, p.Met453Thr (NM_004949.5); short protein forms M310T, M453T.
Identifiers: ClinVar variation 2905065 (VCV002905065.5), dbSNP rs919502720, ClinGen allele CA297637030.